The following is an entry in ClinVar:

ClinVar aggregate classification (germline): Conflicting classifications of pathogenicity. Review status: criteria provided, conflicting classifications (1 of 4 stars). 3 submissions from 3 submitters: Uncertain significance (2); Likely benign (1). Last evaluated 2025-09-20.

Conditions:
Inborn genetic diseases. Identifiers: MedGen C0950123, MeSH D030342.

Allele frequency attached by ClinVar (database versions not stated): gnomAD 0.00005 and 0.00006; gnomAD exomes 0.00007 and 0.00018; TOPMed 0.00012; ExAC 0.00016.
gnomAD v4.1: 108 of 1,614,110 alleles (0.0067%); highest among the groups gnomAD compares: East Asian, 0.24%; no homozygotes.

Submissions (3):

Labcorp Genetics (formerly Invitae), Labcorp
Classification: Likely benign. Last evaluated: 2025-09-20. Review status: criteria provided, single submitter. Criteria: Invitae Variant Classification Sherloc (09022015). Collection method: clinical testing. Allele origin: germline.

GeneDx
Classification: Uncertain significance. Last evaluated: 2025-01-31. Review status: criteria provided, single submitter. Criteria: GeneDx Variant Classification Process June 2021. Collection method: clinical testing. Allele origin: germline. Affected: yes.
Comment: In silico analysis indicates that this missense variant does not alter protein structure/function; Observed with a variant of uncertain significance on the opposite allele (in trans) in two unrelated patients with developmental and epileptic encephalopathy in published literature (PMID: 35352205, 36034301); This variant is associated with the following publications: (PMID: 36034301, 35352205)

Ambry Genetics
Classification: Uncertain significance for Inborn genetic diseases. Last evaluated: 2017-05-26. Review status: criteria provided, single submitter. Criteria: Ambry Variant Classification Scheme 2023. Collection method: clinical testing. Allele origin: germline.
Comment: The p.K963E variant (also known as c.2887A>G), located in coding exon 20 of the SZT2 gene, results from an A to G substitution at nucleotide position 2887. The lysine at codon 963 is replaced by glutamic acid, an amino acid with similar properties. This amino acid position is well conserved in available vertebrate species. In addition, the in silico prediction for this alteration is inconclusive. Since supporting evidence is limited at this time, the clinical significance of this alteration remains unclear.

NM_001365999.1(SZT2):c.2887A>G (p.Lys963Glu)

Gene: SZT2 (SZT2 subunit of KICSTOR complex; plus strand). Cytogenetic location: 1p34.2.
Variant type: single nucleotide variant.
Coding change: c.2887A>G on transcript NM_001365999.1 (MANE Select); coding-DNA position 2887, A replaced by G.
Protein change: p.Lys963Glu; replaces lysine 963 with glutamic acid.
Molecular consequence: missense variant.
Genome position (GRCh38, 1-based): chr1:43,425,907, A>G. VCF-style: chr1-43425907-A-G. GRCh37 (hg19) VCF-style: chr1-43891578-A-G.
Other names: c.2887A>G, p.Lys963Glu (NM_015284.4); short protein forms K963E.
Identifiers: ClinVar variation 590157 (VCV000590157.20), dbSNP rs753130543, ClinGen allele CA808837.